The following is an entry in ClinVar:

ClinVar aggregate classification (germline): Pathogenic. Review status: criteria provided, single submitter (1 of 4 stars). 2 submissions from 2 submitters: Pathogenic (1). 1 of the submissions does not count toward it. Last evaluated 2026-01-15.

Conditions:
Cornelia de Lange syndrome 1 (CDLS1). Also called: NIPBL-Related Cornelia de Lange Syndrome; Brachmann de Lange syndrome; TYPUS DEGENERATIVUS AMSTELODAMENSIS. Identifiers: Orphanet 199, MedGen C4551851, MONDO:0007387, OMIM 122470.

Submissions (2):

GeneDx
Classification: Pathogenic. Last evaluated: 2026-01-15. Review status: criteria provided, single submitter. Criteria: GeneDx Variant Classification Process June 2021. Collection method: clinical testing. Allele origin: germline. Affected: yes.
Comment: Not observed at significant frequency in large population cohorts (gnomAD); Missense variants in this gene are a common cause of disease and they are underrepresented in the general population; In silico analysis supports that this missense variant has a deleterious effect on protein structure/function; Has not been previously published as pathogenic or benign to our knowledge

Centre de Biologie Pathologie Génétique, Centre Hospitalier Universitaire de Lille
Classification: Likely pathogenic for Cornelia de Lange syndrome 1. Last evaluated: 2020-01-01. Review status: no assertion criteria provided. Collection method: clinical testing. Allele origin: germline. Affected: yes. Not counted in ClinVar's aggregate classification.

NM_006306.4(SMC1A):c.622C>G (p.Arg208Gly)

Gene: SMC1A (structural maintenance of chromosomes 1A; minus strand). Cytogenetic location: Xp11.22.
Variant type: single nucleotide variant.
Coding change: c.622C>G on transcript NM_006306.4 (MANE Select); coding-DNA position 622, C replaced by G.
Protein change: p.Arg208Gly; replaces arginine 208 with glycine.
Molecular consequence: missense variant.
Genome position (GRCh38, 1-based): chrX:53,413,132, G>C on the plus strand (C>G on the coding strand, the complement: SMC1A is on the minus strand). VCF-style: chrX-53413132-G-C. GRCh37 (hg19) VCF-style: chrX-53440082-G-C.
Other names: c.556C>G, p.Arg186Gly (NM_001281463.1); short protein forms R186G, R208G.
Identifiers: ClinVar variation 378628 (VCV000378628.4), dbSNP rs1057520375, ClinGen allele CA16608889.